The following is an entry in ClinVar:

NM_002485.5(NBN):c.70T>G (p.Tyr24Asp)

Gene: NBN (nibrin; minus strand). Cytogenetic location: 8q21.3.
Variant type: single nucleotide variant.
Coding change: c.70T>G on transcript NM_002485.5 (MANE Select); coding-DNA position 70, T replaced by G.
Protein change: p.Tyr24Asp; replaces tyrosine 24 with aspartic acid.
Molecular consequence: missense variant. On other transcripts: 5 prime UTR variant (1).
Genome position (GRCh38, 1-based): chr8:89,982,823, A>C on the plus strand (T>G on the coding strand, the complement: NBN is on the minus strand). VCF-style: chr8-89982823-A-C. GRCh37 (hg19) VCF-style: chr8-90995051-A-C.
Other names: c.-227T>G (NM_001024688.3); short protein forms Y24D.
Identifiers: ClinVar variation 927260 (VCV000927260.7), dbSNP rs1812137322, ClinGen allele CA371663511.
Genomic context (GRCh38, chr8:89,982,823, plus strand): 5'-TTCGGCTGATCGACTGATCATTTTCAATCAGAATGGCACAGTTTTTCCTTCCAACAACGT[A>C]CTCAACGCCAGTCAAAAGTCTGTATGGTTCTCCTGAGATAAATTTTTTTTTAAAAAAAGA-3'
Protein context (NP_002476.2, residues 14-34): EPYRLLTGVE[Tyr24Asp]VVGRKNCAIL

ClinVar aggregate classification (germline): Uncertain significance (1 of 4 stars; one submission).

Conditions:
Hereditary cancer-predisposing syndrome. Also called: Neoplastic Syndromes, Hereditary; Hereditary Cancer Syndrome; Tumor predisposition; Hereditary neoplastic syndrome. Identifiers: Orphanet 140162, MedGen C0027672, MeSH D009386, MONDO:0015356.

Submission:

Ambry Genetics
Classification: Uncertain significance for Hereditary cancer-predisposing syndrome. Last evaluated: 2024-04-19. Review status: criteria provided, single submitter. Criteria: Ambry Variant Classification Scheme 2023. Collection method: clinical testing. Allele origin: germline.
Comment: The p.Y24D variant (also known as c.70T>G), located in coding exon 2 of the NBN gene, results from a T to G substitution at nucleotide position 70. The tyrosine at codon 24 is replaced by aspartic acid, an amino acid with highly dissimilar properties. This amino acid position is conserved. In addition, this alteration is predicted to be deleterious by in silico analysis. Since supporting evidence is limited at this time, the clinical significance of this alteration remains unclear.